The following is an entry in ClinVar:

ClinVar aggregate classification (germline): Conflicting classifications of pathogenicity. Review status: criteria provided, conflicting classifications (1 of 4 stars). 9 submissions from 9 submitters: Pathogenic (2); Likely pathogenic (5); Uncertain significance (1). 1 of the submissions does not count toward it. Last evaluated 2025-10-03.

Conditions:
SLC34A3-related disorder. Also called: SLC34A3-related condition.
Autosomal recessive hypophosphatemic bone disease (HHRH). Also called: Hypophosphatemic rickets with hypercalciuria; HYPERCALCIURIC RICKETS. Identifiers: Orphanet 157215, MedGen C1853271, MONDO:0009431, OMIM 241530.

Allele frequency attached by ClinVar (database versions not stated): gnomAD exomes 0.00002 and 0.00004; TOPMed 0.00002; ExAC 0.00003; gnomAD 0.00003 and 0.00004; 1000 Genomes Project 0.00020.
gnomAD v4.1: 67 of 1,612,238 alleles (0.0042%); highest among the groups gnomAD compares: Non-Finnish European, 0.0045%; no homozygotes.

Submissions (9):

Rare Kidney Stone Consortium and the Mayo Clinic Hyperoxaluria Center, Mayo Clinic
Classification: Pathogenic for Autosomal recessive hypophosphatemic bone disease. Last evaluated: 2025-10-03. Review status: criteria provided, single submitter. Criteria: ACMG Guidelines, 2015. Collection method: research. Allele origin: germline. Affected: yes. Observed: 1 variant allele.

Labcorp Genetics (formerly Invitae), Labcorp
Classification: Likely pathogenic. Last evaluated: 2025-04-20. Review status: criteria provided, single submitter. Criteria: Invitae Variant Classification Sherloc (09022015). Collection method: clinical testing. Allele origin: germline.
Comment: This sequence change affects codon 282 of the SLC34A3 mRNA. It is a 'silent' change, meaning that it does not change the encoded amino acid sequence of the SLC34A3 protein. This variant also falls at the last nucleotide of exon 8, which is part of the consensus splice site for this exon. This variant is present in population databases (rs121918236, gnomAD 0.005%). This variant has been observed in individual(s) with hypophosphatemic rickets with hypercalciuria (PMID: 16358215, 31672324, 33223529, 34805638, 36596813, 37981601). It has also been observed to segregate with disease in related individuals. ClinVar contains an entry for this variant (Variation ID: 1429). Variants that disrupt the consensus splice site are a relatively common cause of aberrant splicing (PMID: 17576681, 9536098). Algorithms developed to predict the effect of sequence changes on RNA splicing suggest that this variant may disrupt the consensus splice site. In summary, the currently available evidence indicates that the variant is pathogenic, but additional data are needed to prove that conclusively. Therefore, this variant has been classified as Likely Pathogenic.

Fulgent Genetics
Classification: Likely pathogenic for Autosomal recessive hypophosphatemic bone disease. Last evaluated: 2024-06-14. Review status: criteria provided, single submitter. Criteria: ACMG Guidelines, 2015. Collection method: clinical testing. Allele origin: germline.

Blueprint Genetics
Classification: Likely pathogenic for SLC34A3-related disorders. Last evaluated: 2023-12-28. Review status: criteria provided, single submitter. Criteria: ACMG Guidelines, 2015. Collection method: clinical testing. Allele origin: germline. Affected: yes. Observed: 5 variant alleles.

Laboratory of Functional Genomics, Research Centre for Medical Genetics
Classification: Likely pathogenic for Autosomal recessive hypophosphatemic bone disease. Last evaluated: 2021-08-11. Review status: criteria provided, single submitter. Criteria: ACMG Guidelines, 2015. Collection method: clinical testing, in vitro. Allele origin: paternal, not applicable. Inheritance: Autosomal recessive inheritance. Affected: yes. Observed: 1 variant allele, 1 compound heterozygote.
Comment: Synonymous variant c.846G>A in SLC34A3 could be classified as likely pathogenic variant according to ACMG criteria (PM2, PS3, PM3).

Revvity Omics, Revvity
Classification: Uncertain significance for Autosomal recessive hypophosphatemic bone disease. Last evaluated: 2020-07-21. Review status: criteria provided, single submitter. Criteria: ACMG Guidelines, 2015. Collection method: clinical testing. Allele origin: germline.

Hadassah Hebrew University Medical Center
Classification: Likely pathogenic for Hypophosphatemic rickets with hypercalciuria. Last evaluated: 2019-06-20. Review status: criteria provided, single submitter. Criteria: ACMG Guidelines, 2015. Collection method: clinical testing. Allele origin: germline. Affected: yes.

Institute of Human Genetics Munich, TUM University Hospital
Classification: Pathogenic for Autosomal recessive hypophosphatemic bone disease. Last evaluated: 2017-09-30. Review status: criteria provided, single submitter. Criteria: Classification criteria August 2017. Collection method: clinical testing. Allele origin: maternal. Inheritance: Autosomal recessive inheritance. Affected: yes. Observed: 2 compound heterozygotes.

OMIM
Classification: Pathogenic for HYPOPHOSPHATEMIC RICKETS WITH HYPERCALCIURIA, HEREDITARY. Last evaluated: 2006-02-01. Review status: no assertion criteria provided. Collection method: literature only. Allele origin: germline. Not counted in ClinVar's aggregate classification.

Literature cited by the submitters: PubMed 40794449 (cited by Rare Kidney Stone Consortium and the Mayo Clinic Hyperoxaluria Center, Mayo Clinic); PubMed 16358215 (cited by 3 submitters); PubMed 31672324 (cited by Labcorp Genetics (formerly Invitae), Labcorp); PubMed 33223529 (cited by Labcorp Genetics (formerly Invitae), Labcorp and Hadassah Hebrew University Medical Center); PubMed 34805638 (cited by Labcorp Genetics (formerly Invitae), Labcorp); PubMed 36596813 (cited by Labcorp Genetics (formerly Invitae), Labcorp); PubMed 37981601 (cited by Labcorp Genetics (formerly Invitae), Labcorp); PubMed 17576681 (cited by Labcorp Genetics (formerly Invitae), Labcorp); PubMed 9536098 (cited by Labcorp Genetics (formerly Invitae), Labcorp).

NM_001177316.2(SLC34A3):c.846G>A (p.Pro282=)

Gene: SLC34A3 (solute carrier family 34 member 3; plus strand). Cytogenetic location: 9q34.3.
Variant type: single nucleotide variant.
Coding change: c.846G>A on transcript NM_001177316.2 (MANE Select); coding-DNA position 846, G replaced by A.
Protein change: p.Pro282=; no amino-acid change (proline 282 retained).
Molecular consequence: synonymous variant.
Genome position (GRCh38, 1-based): chr9:137,233,722, G>A. VCF-style: chr9-137233722-G-A. GRCh37 (hg19) VCF-style: chr9-140128174-G-A.
Other names: P282P; c.846G>A, p.Pro282= (NM_001177317.2, NM_080877.3).
Identifiers: ClinVar variation 1429 (VCV000001429.21), dbSNP rs121918236, ClinGen allele CA115012.